The following is an entry in ClinVar:

ClinVar aggregate classification (germline): Uncertain significance (1 of 4 stars; one submission).

Conditions:
Primary ciliary dyskinesia. Also called: Ciliary dyskinesia. Identifiers: Orphanet 244, MedGen C0008780, MONDO:0016575, HP:0012265.

Submission:

Ambry Genetics
Classification: Uncertain significance for Primary ciliary dyskinesia. Last evaluated: 2025-12-16. Review status: criteria provided, single submitter. Criteria: Ambry Variant Classification Scheme 2023. Collection method: clinical testing. Allele origin: germline.
Comment: The p.G80S variant (also known as c.238G>A), located in coding exon 2 of the DNAI2 gene, results from a G to A substitution at nucleotide position 238. The glycine at codon 80 is replaced by serine, an amino acid with similar properties. This amino acid position is conserved. In addition, the in silico prediction for this alteration is inconclusive. Based on the available evidence, the clinical significance of this variant remains unclear.

NM_023036.6(DNAI2):c.238G>A (p.Gly80Ser)

Gene: DNAI2 (dynein axonemal intermediate chain 2; plus strand). Cytogenetic location: 17q25.1.
Variant type: single nucleotide variant.
Coding change: c.238G>A on transcript NM_023036.6 (MANE Select); coding-DNA position 238, G replaced by A.
Protein change: p.Gly80Ser; replaces glycine 80 with serine.
Molecular consequence: missense variant. On other transcripts: non-coding transcript variant (1).
Genome position (GRCh38, 1-based): chr17:74,285,094, G>A. VCF-style: chr17-74285094-G-A. GRCh37 (hg19) VCF-style: chr17-72281233-G-A.
Other names: c.238G>A, p.Gly80Ser (NM_001172810.3, NM_001353167.2); short protein forms G80S.
Identifiers: ClinVar variation 4824121 (VCV004824121.1).